The following is an entry in ClinVar:

ClinVar aggregate classification (germline): Uncertain significance (1 of 4 stars; one submission).

Submission:

GeneDx
Classification: Uncertain significance. Last evaluated: 2021-04-19. Review status: criteria provided, single submitter. Criteria: GeneDx Variant Classification Process June 2021. Collection method: clinical testing. Allele origin: germline. Affected: yes.
Comment: Not observed in large population cohorts (Lek et al., 2016); Has not been previously published as pathogenic or benign to our knowledge; In-silico analysis, which includes splice predictors and evolutionary conservation, is inconclusive as to whether the variant alters gene splicing. In the absence of RNA/functional studies, the actual effect of this sequence change is unknown.

NM_001042750.2(STAG2):c.2674-13A>G

Gene: STAG2 (STAG2 cohesin complex component; plus strand). Cytogenetic location: Xq25.
Variant type: single nucleotide variant.
Coding change: c.2674-13A>G on transcript NM_001042750.2 (MANE Select); 13 bases into the intron before coding-DNA position 2674, A replaced by G.
Molecular consequence: intron variant.
Genome position (GRCh38, 1-based): chrX:124,077,944, A>G. VCF-style: chrX-124077944-A-G. GRCh37 (hg19) VCF-style: chrX-123211794-A-G.
Other names: c.2674-13A>G (NM_001042749.2, NM_001375366.1, NM_001375373.1 and 13 more transcripts).
Identifiers: ClinVar variation 1327878 (VCV001327878.2), dbSNP rs1392293594, ClinGen allele CA2573055100.